The following is an entry in ClinVar:

ClinVar aggregate classification (germline): Pathogenic. Review status: criteria provided, multiple submitters, no conflicts (2 of 4 stars). 2 submissions from 2 submitters: Pathogenic (2). Last evaluated 2024-01-20.

Conditions:
Cerebral cavernous malformation (CCM). Also called: Cerebral cavernous malformations; CAVERNOUS ANGIOMA, FAMILIAL; CAVERNOUS ANGIOMATOUS MALFORMATIONS; CEREBRAL CAPILLARY MALFORMATIONS; Cavernous Hemangioma of Brain; Cerebral cavernous hemangioma (type). Identifiers: Orphanet 221061, MedGen C2919945, MONDO:0000820, OMIM 116860, HP:0033522.

Submissions (2):

Labcorp Genetics (formerly Invitae), Labcorp
Classification: Pathogenic for Cerebral cavernous malformation. Last evaluated: 2024-01-20. Review status: criteria provided, single submitter. Criteria: Invitae Variant Classification Sherloc (09022015). Collection method: clinical testing. Allele origin: germline.
Comment: This sequence change affects an acceptor splice site in intron 15 of the KRIT1 gene. It is expected to disrupt RNA splicing. Variants that disrupt the donor or acceptor splice site typically lead to a loss of protein function (PMID: 16199547), and loss-of-function variants in KRIT1 are known to be pathogenic (PMID: 10508515, 11222804, 12404106, 24689081). This variant is not present in population databases (gnomAD no frequency). Disruption of this splice site has been observed in individual(s) with cerebral cavernous malformations (PMID: 24689081). ClinVar contains an entry for this variant (Variation ID: 1704783). Algorithms developed to predict the effect of sequence changes on RNA splicing suggest that this variant may disrupt the consensus splice site. For these reasons, this variant has been classified as Pathogenic.

GeneDx
Classification: Pathogenic. Last evaluated: 2022-03-18. Review status: criteria provided, single submitter. Criteria: GeneDx Variant Classification Process June 2021. Collection method: clinical testing. Allele origin: germline. Affected: yes.
Comment: Canonical splice site variant predicted to result in a null allele in a gene for which loss-of-function is a known mechanism of disease; Not observed at significant frequency in large population cohorts (gnomAD); This variant is associated with the following publications: (PMID: 24689081)

Literature cited by the submitters: PubMed 16199547 (cited by Labcorp Genetics (formerly Invitae), Labcorp); PubMed 10508515 (cited by Labcorp Genetics (formerly Invitae), Labcorp); PubMed 11222804 (cited by Labcorp Genetics (formerly Invitae), Labcorp); PubMed 12404106 (cited by Labcorp Genetics (formerly Invitae), Labcorp); PubMed 24689081 (cited by Labcorp Genetics (formerly Invitae), Labcorp).

NM_194454.3(KRIT1):c.1564-1G>A

Gene: KRIT1 (KRIT1 ankyrin repeat containing; minus strand). Cytogenetic location: 7q21.2.
Variant type: single nucleotide variant.
Coding change: c.1564-1G>A on transcript NM_194454.3 (MANE Select); the canonical splice acceptor site of the intron before coding-DNA position 1564, G replaced by A.
Molecular consequence: splice acceptor variant.
Genome position (GRCh38, 1-based): chr7:92,214,778, C>T on the plus strand (G>A on the coding strand, the complement: KRIT1 is on the minus strand). VCF-style: chr7-92214778-C-T. GRCh37 (hg19) VCF-style: chr7-91844092-C-T.
Other names: c.1564-1G>A (NM_001350672.1, NM_001350676.1, NM_001350673.1 and 26 more transcripts); c.1420-1G>A (NM_001350669.1, NM_001013406.2, NM_001350670.1); c.850-1G>A (NM_001350671.1).
Identifiers: ClinVar variation 1704783 (VCV001704783.5), dbSNP rs2535727492, ClinGen allele CA368142680.